The following is an entry in ClinVar:

NM_198253.3(TERT):c.2540dup (p.Asp848fs)

Gene: TERT (telomerase reverse transcriptase; minus strand). Cytogenetic location: 5p15.33.
Variant type: Duplication.
Coding change: c.2540dup on transcript NM_198253.3 (MANE Select); coding-DNA position 2540, one base duplicated (G; older notation c.2540dupG).
Protein change: p.Asp848fs; shifts the reading frame from aspartic acid 848.
Molecular consequence: frameshift variant. On other transcripts: non-coding transcript variant (2).
Genome position (GRCh38, 1-based): chr5:1,268,562, C duplicated on the plus strand (G on the coding strand, the reverse complement: TERT is on the minus strand); the first of 2 consecutive C bases (chr5:1,268,562-1,268,563); duplicating either gives the same sequence. VCF-style (leftmost placement, unchanged base first): chr5-1268561-G-GC. GRCh37 (hg19) VCF-style: chr5-1268676-G-GC.
Other names: c.2540dup, p.Asp848fs (NM_001193376.3); short protein forms D848fs.
Identifiers: ClinVar variation 841032 (VCV000841032.8), dbSNP rs1748786633, ClinGen allele CA916081462.

ClinVar aggregate classification (germline): Pathogenic (1 of 4 stars; one submission).

Conditions:
Dyskeratosis congenita, autosomal dominant 2. Identifiers: MedGen C3151443, MONDO:0013521, OMIM 613989.
Idiopathic Pulmonary Fibrosis. Also called: Idiopathic fibrosing alveolitis, chronic form; idiopathic fibrosing alveolitis. Identifiers: Orphanet 2032, MedGen C1800706, MeSH D054990, MONDO:0800504.

Submission:

Labcorp Genetics (formerly Invitae), Labcorp
Classification: Pathogenic for Dyskeratosis congenita, autosomal dominant 2; Idiopathic Pulmonary Fibrosis. Last evaluated: 2019-12-12. Review status: criteria provided, single submitter. Criteria: Invitae Variant Classification Sherloc (09022015). Collection method: clinical testing. Allele origin: germline.
Comment: This variant is not present in population databases (ExAC no frequency). This sequence change creates a premature translational stop signal (p.Asp848Argfs*22) in the TERT gene. It is expected to result in an absent or disrupted protein product. This variant has not been reported in the literature in individuals with TERT-related conditions. For these reasons, this variant has been classified as Pathogenic. Loss-of-function variants in TERT are known to be pathogenic (PMID: 16247010, 17460043).

Literature cited by the submitters: PubMed 16247010; PubMed 17460043.